The following is an entry in ClinVar:

ClinVar aggregate classification (germline): Likely pathogenic (1 of 4 stars; one submission).

Submission:

Baylor Genetics
Classification: Likely pathogenic. Last evaluated: 2018-11-01. Review status: criteria provided, single submitter. Criteria: ACMG CNV Guidelines, 2011. Collection method: clinical testing. Allele origin: germline. Affected: yes. Observed: 1 variant allele.
Comment: Deletions involving this region have been previously reported in patients with developmental delay and autism (PMID: 23657883)

GRCh37/hg19 2q12.3-13(chr2:109301074-110482930)

Genes: CCDC138 (coiled-coil domain containing 138; plus strand), EDAR (ectodysplasin A receptor; minus strand), LIMS1 (LIM zinc finger domain containing 1; plus strand), RANBP2 (RAN binding protein 2; plus strand), SEPTIN10 (septin 10; minus strand) and 1 more. Cytogenetic location: 2q12.3-13.
Variant type: copy number loss.
Identifiers: ClinVar variation 625546 (VCV000625546.1).